The following is an entry in ClinVar:

ClinVar aggregate classification (germline): Benign. Review status: criteria provided, single submitter (1 of 4 stars). 2 submissions from 2 submitters: Benign (1). 1 of the submissions does not count toward it. Last evaluated 2026-02-01.

Conditions:
UNC45A-related disorder. Also called: UNC45A-related condition.

Allele frequency attached by ClinVar (database versions not stated): gnomAD exomes 0.00041; ExAC 0.00051; 1000 Genomes Project 0.00140; gnomAD 0.00158 and 0.00173; ESP Exome Variant Server 0.00162; 1000 Genomes Project 30x 0.00172; TOPMed 0.00177.
gnomAD v4.1: 433 of 1,613,742 alleles (0.027%); highest among the groups gnomAD compares: African/African-American, 0.52%; no homozygotes.

Submissions (2):

Labcorp Genetics (formerly Invitae), Labcorp
Classification: Benign. Last evaluated: 2026-02-01. Review status: criteria provided, single submitter. Criteria: Invitae Variant Classification Sherloc (09022015). Collection method: clinical testing. Allele origin: germline.

PreventionGenetics, part of Exact Sciences
Classification: Likely benign for UNC45A-related condition. Last evaluated: 2024-01-12. Review status: no assertion criteria provided. Collection method: clinical testing. Allele origin: germline. Not counted in ClinVar's aggregate classification.
Comment: This variant is classified as likely benign based on ACMG/AMP sequence variant interpretation guidelines (Richards et al. 2015 PMID: 25741868, with internal and published modifications).

NM_018671.5(UNC45A):c.1314C>T (p.Val438=)

Gene: UNC45A (unc-45 myosin chaperone A; plus strand). Cytogenetic location: 15q26.1.
Variant type: single nucleotide variant.
Coding change: c.1314C>T on transcript NM_018671.5 (MANE Select); coding-DNA position 1314, C replaced by T.
Protein change: p.Val438=; no amino-acid change (valine 438 retained).
Molecular consequence: synonymous variant.
Genome position (GRCh38, 1-based): chr15:90,946,728, C>T. VCF-style: chr15-90946728-C-T. GRCh37 (hg19) VCF-style: chr15-91489958-C-T.
Other names: c.1269C>T, p.Val423= (NM_001039675.2, NM_001323621.2); c.1314C>T, p.Val438= (NM_001323619.1); c.879C>T, p.Val293= (NM_001323620.2).
Identifiers: ClinVar variation 1167744 (VCV001167744.11), dbSNP rs144064658, ClinGen allele CA7742865.